The following is an entry in ClinVar:

ClinVar aggregate classification (germline): Uncertain significance (1 of 4 stars; one submission).

Conditions:
Cardiomyopathy (CMYO). Also called: Cardiomyopathies. Identifiers: Orphanet 167848, MedGen C0878544, MONDO:0004994, HP:0001638. Inheritance: Various modes of inheritance.

gnomAD v4.1: 27 of 1,614,166 alleles (0.0017%); highest among the groups gnomAD compares: Non-Finnish European, 0.0021%; no homozygotes.

Submission:

Color Diagnostics, LLC DBA Color Health
Classification: Uncertain significance for Cardiomyopathy. Last evaluated: 2024-03-07. Review status: criteria provided, single submitter. Criteria: ACMG Guidelines, 2015. Collection method: clinical testing. Allele origin: germline.
Comment: This missense variant replaces histidine with aspartic acid at codon 1717 of the DSP protein. Computational prediction suggests that this variant may not impact protein structure and function (internally defined REVEL score threshold <= 0.5, PMID: 27666373). To our knowledge, functional studies have not been reported for this variant. This variant has not been reported in individuals affected with cardiovascular disorders in the literature. This variant has not been identified in the general population by the Genome Aggregation Database (gnomAD). The available evidence is insufficient to determine the role of this variant in disease conclusively. Therefore, this variant is classified as a Variant of Uncertain Significance.

NM_004415.4(DSP):c.5149C>G (p.His1717Asp)

Gene: DSP (desmoplakin; plus strand). Cytogenetic location: 6p24.3.
Variant type: single nucleotide variant.
Coding change: c.5149C>G on transcript NM_004415.4 (MANE Select); coding-DNA position 5149, C replaced by G.
Protein change: p.His1717Asp; replaces histidine 1717 with aspartic acid.
Molecular consequence: missense variant. On other transcripts: intron variant (2).
Genome position (GRCh38, 1-based): chr6:7,581,339, C>G. VCF-style: chr6-7581339-C-G. GRCh37 (hg19) VCF-style: chr6-7581572-C-G.
Other names: c.4050+1099C>G (NM_001319034.2); c.3583-1303C>G (NM_001008844.3); short protein forms H1717D.
Identifiers: ClinVar variation 926377 (VCV000926377.5), dbSNP rs1759433551, ClinGen allele CA362687961.